The following is an entry in ClinVar:

NM_001365951.3(KIF1B):c.2917G>A (p.Val973Met)

Genes: KIF1B (kinesin family member 1B; plus strand), LOC126805614 (BRD4-independent group 4 enhancer GRCh37_chr1:10385546-10386745; plus strand). Cytogenetic location: 1p36.22.
Variant type: single nucleotide variant.
Coding change: c.2917G>A on transcript NM_001365951.3 (MANE Select); coding-DNA position 2917, G replaced by A.
Protein change: p.Val973Met; replaces valine 973 with methionine.
Molecular consequence: missense variant.
Genome position (GRCh38, 1-based): chr1:10,326,352, G>A. VCF-style: chr1-10326352-G-A. GRCh37 (hg19) VCF-style: chr1-10386410-G-A.
Other names: c.2917G>A, p.Val973Met (NM_001365952.1); c.2779G>A, p.Val927Met (NM_015074.3); short protein forms V927M, V973M.
Identifiers: ClinVar variation 4043139 (VCV004043139.1).

ClinVar aggregate classification (germline): Uncertain significance (1 of 4 stars; one submission).

Submission:

Ambry Genetics
Classification: Uncertain significance. Last evaluated: 2025-05-17. Review status: criteria provided, single submitter. Criteria: Ambry Variant Classification Scheme 2023. Collection method: clinical testing. Allele origin: germline.
Comment: The p.V927M variant (also known as c.2779G>A), located in coding exon 24 of the KIF1B gene, results from a G to A substitution at nucleotide position 2779. The valine at codon 927 is replaced by methionine, an amino acid with highly similar properties. This amino acid position is conserved. In addition, the in silico prediction for this alteration is inconclusive. Based on the available evidence, the clinical significance of this variant remains unclear.